The following is an entry in ClinVar:

ClinVar aggregate classification (germline): Uncertain significance. Review status: criteria provided, multiple submitters, no conflicts (2 of 4 stars). 4 submissions from 4 submitters: Uncertain significance (4). Last evaluated 2025-12-16.

Conditions:
Cardiovascular phenotype. Identifiers: MedGen CN230736.
Cutis laxa, autosomal recessive, type 1B (ARCL1B). Also called: CUTIS LAXA, AUTOSOMAL RECESSIVE, TYPE IB; EFEMP2-Related Cutis Laxa. Identifiers: Orphanet 90349, MedGen C3280798, MONDO:0013754, OMIM 614437. Disease mechanism: loss of function.

Allele frequency attached by ClinVar (database versions not stated): TOPMed 0.00002; gnomAD 0.00001; ExAC 0.00001.

Submissions (4):

Ambry Genetics
Classification: Uncertain significance for Cardiovascular phenotype. Last evaluated: 2025-12-16. Review status: criteria provided, single submitter. Criteria: Ambry Variant Classification Scheme 2023. Collection method: clinical testing. Allele origin: germline.
Comment: The p.N107K variant (also known as c.321C>A), located in coding exon 3 of the EFEMP2 gene, results from a C to A substitution at nucleotide position 321. The asparagine at codon 107 is replaced by lysine, an amino acid with similar properties. This amino acid position is conserved. In addition, this alteration is predicted to be tolerated by in silico analysis. Since supporting evidence is limited at this time, the clinical significance of this alteration remains unclear.

GeneDx
Classification: Uncertain significance. Last evaluated: 2025-08-28. Review status: criteria provided, single submitter. Criteria: GeneDx Variant Classification Process June 2021. Collection method: clinical testing. Allele origin: germline. Affected: yes.
Comment: Has not been previously published as pathogenic or benign to our knowledge; Not observed at significant frequency in large population cohorts (gnomAD); In silico analysis suggests that this missense variant does not alter protein structure/function

Labcorp Genetics (formerly Invitae), Labcorp
Classification: Uncertain significance for Cutis laxa, autosomal recessive, type 1B. Last evaluated: 2025-03-27. Review status: criteria provided, single submitter. Criteria: Invitae Variant Classification Sherloc (09022015). Collection method: clinical testing. Allele origin: germline.
Comment: This sequence change replaces asparagine, which is neutral and polar, with lysine, which is basic and polar, at codon 107 of the EFEMP2 protein (p.Asn107Lys). This variant is present in population databases (rs762409753, gnomAD 0.002%). This variant has not been reported in the literature in individuals affected with EFEMP2-related conditions. ClinVar contains an entry for this variant (Variation ID: 391628). Invitae Evidence Modeling of protein sequence and biophysical properties (such as structural, functional, and spatial information, amino acid conservation, physicochemical variation, residue mobility, and thermodynamic stability) has been performed for this missense variant. However, the output from this modeling did not meet the statistical confidence thresholds required to predict the impact of this variant on EFEMP2 protein function. In summary, the available evidence is currently insufficient to determine the role of this variant in disease. Therefore, it has been classified as a Variant of Uncertain Significance.

Revvity Omics, Revvity
Classification: Uncertain significance for Cutis laxa, autosomal recessive, type 1B. Last evaluated: 2021-12-10. Review status: criteria provided, single submitter. Criteria: ACMG Guidelines, 2015. Collection method: clinical testing. Allele origin: germline.

NM_016938.5(EFEMP2):c.321C>A (p.Asn107Lys)

Gene: EFEMP2 (EGF-like fibulin extracellular matrix protein 2; minus strand). Cytogenetic location: 11q13.1.
Variant type: single nucleotide variant.
Coding change: c.321C>A on transcript NM_016938.5 (MANE Select); coding-DNA position 321, C replaced by A.
Protein change: p.Asn107Lys; replaces asparagine 107 with lysine.
Molecular consequence: missense variant. On other transcripts: non-coding transcript variant (1).
Genome position (GRCh38, 1-based): chr11:65,871,203, G>T on the plus strand (C>A on the coding strand, the complement: EFEMP2 is on the minus strand). VCF-style: chr11-65871203-G-T. GRCh37 (hg19) VCF-style: chr11-65638674-G-T.
Other names: short protein forms N107K.
Identifiers: ClinVar variation 391628 (VCV000391628.12), dbSNP rs762409753, ClinGen allele CA6110715.
Genomic context (GRCh38, chr11:65,871,203, plus strand): 5'-CAGTCCCCACTCACCCACACAGCTGTCCTGATCGTCGGGCTCATAGCCTGGTGGGCAGGG[G>T]TTGGGGTGTTGAGCGGGAGGCACTGGTGGCGGGGGTCCCTCGCCGTGTAGGTCGTTGATG-3'
Protein context (NP_058634.4, residues 97-117): PPPVPPAQHP[Asn107Lys]PCPPGYEPDD